The following is an entry in ClinVar:

NM_000136.3(FANCC):c.543G>A (p.Ala181=)

Genes: AOPEP (aminopeptidase O (putative); plus strand), FANCC (FA complementation group C; minus strand). Cytogenetic location: 9q22.32.
Variant type: single nucleotide variant.
Coding change: c.543G>A on transcript NM_000136.3 (MANE Select); coding-DNA position 543, G replaced by A.
Protein change: p.Ala181=; no amino-acid change (alanine 181 retained).
Molecular consequence: synonymous variant.
Genome position (GRCh38, 1-based): chr9:95,150,066, C>T on the plus strand (G>A on the coding strand, the complement: FANCC is on the minus strand). VCF-style: chr9-95150066-C-T. GRCh37 (hg19) VCF-style: chr9-97912348-C-T.
Other names: c.543G>A, p.Ala181= (NM_001243743.2, NM_001243744.2).
Identifiers: ClinVar variation 377842 (VCV000377842.21), dbSNP rs758919360, ClinGen allele CA5137695.

ClinVar aggregate classification (germline): Likely benign. Review status: criteria provided, multiple submitters, no conflicts (2 of 4 stars). 4 submissions from 4 submitters: Likely benign (3). 1 of the submissions does not count toward it. Last evaluated 2024-01-22.

Conditions:
Hereditary cancer-predisposing syndrome. Also called: Hereditary neoplastic syndrome; Hereditary Cancer Syndrome; Neoplastic Syndromes, Hereditary; Tumor predisposition. Identifiers: Orphanet 140162, MedGen C0027672, MeSH D009386, MONDO:0015356.
Fanconi anemia (FA). Also called: Fanconi's anemia. Identifiers: Orphanet 84, MedGen C0015625, MeSH D005199, MONDO:0019391.

Allele frequency attached by ClinVar (database versions not stated): gnomAD exomes below 0.00001; ExAC 0.00001; gnomAD 0.00001; TOPMed 0.00002.
gnomAD v4.1: 13 of 1,613,946 alleles (0.00081%); highest among the groups gnomAD compares: East Asian, 0.0022%; no homozygotes.

Submissions (4):

Labcorp Genetics (formerly Invitae), Labcorp
Classification: Likely benign for Fanconi anemia. Last evaluated: 2024-01-22. Review status: criteria provided, single submitter. Criteria: Invitae Variant Classification Sherloc (09022015). Collection method: clinical testing. Allele origin: germline.

Ambry Genetics
Classification: Likely benign for Hereditary cancer-predisposing syndrome. Last evaluated: 2019-08-26. Review status: criteria provided, single submitter. Criteria: Ambry Variant Classification Scheme 2023. Collection method: clinical testing. Allele origin: germline.

GeneDx
Classification: Likely benign. Last evaluated: 2017-03-24. Review status: criteria provided, single submitter. Criteria: GeneDx Variant Classification (06012015). Collection method: clinical testing. Allele origin: germline. Affected: yes.
Comment: This variant is considered likely benign or benign based on one or more of the following criteria: it is a conservative change, it occurs at a poorly conserved position in the protein, it is predicted to be benign by multiple in silico algorithms, and/or has population frequency not consistent with disease.

Natera, Inc.
Classification: Likely benign for Fanconi anemia. Last evaluated: 2018-12-22. Review status: no assertion criteria provided. Collection method: clinical testing. Allele origin: germline. Not counted in ClinVar's aggregate classification.